The following is an entry in ClinVar:

ClinVar aggregate classification (germline): Uncertain significance (1 of 4 stars; one submission).

Conditions:
Intellectual developmental disorder, autosomal dominant 29. Also called: SETBP1 Haploinsufficiency Disorder; Intellectual disability, autosomal dominant 29. Identifiers: Orphanet 436151, MedGen C4015141, MONDO:0014482, OMIM 616078.

Submission:

Neuberg Centre For Genomic Medicine, NCGM
Classification: Uncertain significance for Intellectual developmental disorder, autosomal dominant 29. Last evaluated: 2023-05-20. Review status: criteria provided, single submitter. Criteria: ACMG Guidelines, 2015. Collection method: clinical testing. Allele origin: germline. Inheritance: Autosomal dominant inheritance. Affected: yes.
Comment: The missense variant c.2693C>G(p.Ser898Cys) in SETBP1 gene has not been reported previously as a pathogenic variant nor as a benign variant, to our knowledge. The observed variant is absent in gnomAD exomes database. This variant has not been reported to the ClinVar database. Multiple lines of computational evidence (Polyphen - possibly damaging , SIFT - damaging and MutationTaster - polymorphism) predicts conflicting evidence on protein structure and function for this variant. The amino acid change p.Ser898Cys in SETBP1 is predicted as conserved by GERP++ and PhyloP across 100 vertebrates. The amino acid Ser at position 898 is changed to a Cys changing protein sequence and it might alter its composition and physico-chemical properties. For these reasons, this variant has been classified as Uncertain Significance (VUS).

NM_015559.3(SETBP1):c.2693C>G (p.Ser898Cys)

Gene: SETBP1 (SET binding protein 1; plus strand). Cytogenetic location: 18q12.3.
Variant type: single nucleotide variant.
Coding change: c.2693C>G on transcript NM_015559.3 (MANE Select); coding-DNA position 2693, C replaced by G.
Protein change: p.Ser898Cys; replaces serine 898 with cysteine.
Molecular consequence: missense variant.
Genome position (GRCh38, 1-based): chr18:44,952,033, C>G. VCF-style: chr18-44952033-C-G. GRCh37 (hg19) VCF-style: chr18-42531998-C-G.
Other names: c.2693C>G, p.Ser898Cys (NM_001379141.1, NM_001379142.1, NM_001410862.1); short protein forms S898C.
Identifiers: ClinVar variation 3341494 (VCV003341494.1).
Genomic context (GRCh38, chr18:44,952,033, plus strand): 5'-CTTCTGACCAAGCGGAGAAGAGCTCAGAATCCCGAAGGAGGTACTCTTTTGATTTCTGCT[C>G]CCTGGACAACCCGGAGGCCATTCCGTCCGACACCAGCACAAAGAACCGGCATGGCCACCG-3'
Protein context (NP_056374.2, residues 888-908): SRRRYSFDFC[Ser898Cys]LDNPEAIPSD